The following continues an entry in ClinVar:

NM_000130.4(F5):c.1601G>A (p.Arg534Gln)

Gene: F5. ClinVar aggregate classification (germline): drug response. drug response (1).

Submissions 11 to 24 of 33:

Clinical Genetics Laboratory, Skane University Hospital Lund
Classification: Pathogenic. Last evaluated: 2023-06-15. Review status: criteria provided, single submitter. Criteria: ACMG Guidelines, 2015. Collection method: clinical testing. Allele origin: germline. Affected: yes. Not counted in ClinVar's aggregate classification.

Variantyx, Inc.
Classification: Pathogenic, low penetrance for Thrombophilia due to activated protein C resistance. Last evaluated: 2022-11-04. Review status: criteria provided, single submitter. Criteria: Variantyx Assertion Criteria 2022. Collection method: clinical testing. Allele origin: germline. Inheritance: Autosomal dominant inheritance. Not counted in ClinVar's aggregate classification.
Comment: This is a nonsynonymous variant in the F5 gene (OMIM 612309). Pathogenic variants in this gene have been associated with factor V Leiden thrombophilia. This variant, also known as factor V Leiden or p.Arg506Gln, is associated with an increased risk for venous thromboembolism (VTE) due to activated protein C resistance. The frequency of this variant in affected individuals is significantly increased compared to controls and studies have shown that heterozygous carriers are at increased risk for VTE (OR = 4.38, 95% CI: 3.48-5.51, PMID: 23900608), while homozygous individuals are at an even greater risk and tend to develop thrombosis at a younger age (OR = 9.45 95% CI: 6.72-13.30, PMID: 19652888; OR = 11.45 95% CI: 6.79-19.29, PMID: 23900608) (PS4). Functional studies have shown that this variant alters factor V protein function (PMID: 11110695, 20051284, 22704462, 26251307) (PS3). Multiple computational algorithms predict a deleterious effect for this substitution (PP3). This variant has a 2.627% maximum allele frequency in non-founder control populations. Based on the current evidence, this variant is classified as pathogenic with reduced penetrance.

Mendelics
Classification: Pathogenic for Thrombophilia due to activated protein C resistance. Last evaluated: 2022-05-04. Review status: criteria provided, single submitter. Criteria: Mendelics Assertion Criteria 2019. Collection method: clinical testing. Allele origin: germline. Not counted in ClinVar's aggregate classification.

Genetics and Genomic Medicine Centre, NeuroGen Healthcare, NeuroGen Healthcare
Classification: Pathogenic for Congenital factor V deficiency. Last evaluated: 2021-11-17. Review status: criteria provided, single submitter. Criteria: Submitter's publication. Collection method: clinical testing. Allele origin: unknown. Affected: no. Not counted in ClinVar's aggregate classification.

GeneDx
Classification: Pathogenic. Last evaluated: 2021-02-22. Review status: criteria provided, single submitter. Criteria: GeneDx Variant Classification (06012015). Collection method: clinical testing. Allele origin: germline. Affected: yes. Not counted in ClinVar's aggregate classification.
Comment: Commonly referred to as factor V Leiden and previously known as p.Arg506Gln; c.1691G>A using historical nomenclature Factor V Leiden is found in 90â€“95% of all patients with APC resistance (Bertina et al., 1994; Voorberg et al., 1994; Zhang et al., 2018) The presence of the factor V Leiden variant in the heterozygous and homozygous state has been reported in association with an increased risk for venous thrombosis (Zhang et al., 2018) Heterozygosity for this variant is associated with a 4-8 fold increased risk for venous thrombosis (Rosendaal et al., 1995; Zoller et al., 1997; Zhang et al., 2018) Homozygosity for this variant is associated with up to an 80-fold increased risk for venous thrombosis (Rosendaal et al., 1995; Zhang et al., 2018) Published studies demonstrate a deleterious effect on protein function (Nicolaes et al., 1995; Pezeshkpoor et al., 2016) This test cannot definitively predict the occurrence or recurrence of a thrombotic event in an individual with this variant

Undiagnosed Diseases Network, NIH
Classification: Pathogenic for Thrombophilia due to activated protein C resistance. Last evaluated: 2020-04-08. Review status: criteria provided, single submitter. Criteria: ACMG Guidelines, 2015. Collection method: clinical testing. Allele origin: maternal. Inheritance: Autosomal dominant inheritance. Affected: yes. Observed: 1 variant allele, 1 heterozygote. Study: Undiagnosed Diseases Network (NIH), UDN. Not counted in ClinVar's aggregate classification.

Laboratory for Molecular Medicine, Mass General Brigham Personalized Medicine
Classification: risk factor for Congenital factor V deficiency. Last evaluated: 2020-03-04. Review status: criteria provided, single submitter. Criteria: LMM Criteria. Collection method: clinical testing. Allele origin: germline. Observed: 9 variant alleles. Not counted in ClinVar's aggregate classification.
Comment: F5 c.1601G>A (p.Arg534Gln; commonly known as Factor V Leiden, historically reported as p.Arg506Gln) has been associated with increased risk for venous thromboembolism (VTE). This variant has been observed in multiple ethnic backgrounds with highest frequencies in individuals of European ancestry (2.96%, Genome Aggregation Database (gnomAD); rs6025) and is present in ClinVar (ID: 642). Several meta-analyses and case-control studies have reported odds ratios between 2.2-4.93 for developing VTE in heterozygous carriers (OR=2.2 [95% CI 2.0-2.5] Sode 2013, OR=4.22 [95% CI 3.35-5.32] Simone 2013, OR=4.93 [95% CI 4.41-5.52] Gohil 2009, OR= 2.4 [95% CI 1.3â€“3.8] Juul 2004) and odds ratios between 7-11.5 for developing VTE in homozygous carriers (OR=7.0 [95% CI 4.8-10] Sode 2013, OR=11.45 [95% CI 6.79-19.29] Simone 2013). In vivo and in vitro functional studies provide evidence that the Factor V Leiden variant impacts protein function (Dirven 2010, Cui 2000, Banno 2015, Koncz 2012). In summary, the p.Arg534Gln variant meets criteria for classification as an established risk allele for VTE.

Baylor Genetics
Classification: Pathogenic for Congenital factor V deficiency. Last evaluated: 2018-08-24. Review status: criteria provided, single submitter. Criteria: ACMG Guidelines, 2015. Collection method: clinical testing. Allele origin: maternal. Affected: yes. Not counted in ClinVar's aggregate classification.
Comment: This variant was determined to be pathogenic according to ACMG Guidelines, 2015 [PMID:25741868]. This variant has been known as the Factor V Leiden variant [PMID 8164741, 26990548, 25977387, 26251307, 23677252, Factor V Leiden]

Ambry Genetics
Classification: Pathogenic for Inborn genetic diseases. Last evaluated: 2018-01-23. Review status: criteria provided, single submitter. Criteria: Ambry Variant Classification Scheme 2023. Collection method: clinical testing. Allele origin: germline. Not counted in ClinVar's aggregate classification.
Comment: The p.R534Q pathogenic mutation (also known as c.1601G>A, R506Q, 1691G>A, and factor V Leiden), located in coding exon 10 of the F5 gene, results from a G to A substitution at nucleotide position 1601. The arginine at codon 534 is replaced by glutamine, an amino acid with highly similar properties. This mutation abolishes one of the three activated protein C (APC) cleavage sites; APC is an anticoagulant, which regulates the coagulation cascade by degrading activated factor V. Heterozygosity for the factor V Leiden (FVL) allele is associated with a 3-8 fold increased risk for venous thrombosis (Campello E et al. Expert Rev Hematol. 2016;9(12):1139-49). Based on the supporting evidence, this alteration is interpreted as a disease-causing mutation.

Human Genome Sequencing Center Clinical Lab, Baylor College of Medicine
Classification: Pathogenic for Congenital factor V deficiency. Last evaluated: 2017-10-13. Review status: criteria provided, single submitter. Criteria: ACMG Guidelines, 2015. Collection method: clinical testing. Allele origin: germline. Not counted in ClinVar's aggregate classification.
Comment: This c.1601G>A (p.Arg534Gln) variant is known as the Factor V Leiden variant (legacy name p.Arg506Gln). Factor V Leiden variant is associated with thrombophilia due to activated protein C resistance [MIM:188055]. Studies suggest that the relative risk for venous thrombosis associated with the factor V Leiden variant in the absence of other acquired or environmental predispositions is approximately 4- to 7-fold for heterozygotes and 80-fold for homozygotes (PMID 16024978). This variant is classified as pathogenic. Homozygosity for this variant is also considered medically actionable.

Knight Diagnostic Laboratories, Oregon Health and Sciences University
Classification: Pathogenic for Thrombophilia due to activated protein C resistance. Last evaluated: 2016-03-30. Review status: criteria provided, single submitter. Criteria: ACMG Guidelines, 2015. Collection method: clinical testing. Allele origin: germline. Affected: no. Study: CSER-NextGen. Not counted in ClinVar's aggregate classification.
Comment: The c.1601G>A (p.Arg534Gln) missense variant is a common disease-causing variant in the F5 gene. This missense variant destroys one of three APC cleavage sites in factor V, rendering the protein resistant to APC inactivation. Arg534Gln heterozygotes and homozygotes have an increased risk for Factor V Thrombophilia; however, clinical expression is variable and most individuals never develop thrombosis (GeneReviews: Kujovich et al., 2010). Therefore, this collective evidence supports the classification of the c.1601G>A (p.Arg534Gln) as a Pathogenic variant for Factor V Thrombophilia.

ISTH-SSC Genomics in Thrombosis and Hemostasis, KU Leuven, Center for Molecular and Vascular Biology
Classification: Pathogenic for Thrombophilia due to activated protein C resistance. Review status: criteria provided, single submitter. Criteria: ACMG Guidelines, 2015. Collection method: clinical testing. Allele origin: unknown. Affected: yes. Observed: 7 heterozygotes. Not counted in ClinVar's aggregate classification.
Comment: GoldVariant submitter: Dr Karyn Mégy NIHR Bioresource - Cambridge University, UK

Imagene.me medical diagnostic laboratory, IMAGENE.ME SA
Classification: Pathogenic for Congenital factor V deficiency. Review status: criteria provided, single submitter. Criteria: IMAGENE.ME Variant Classification SOP 2022. Collection method: clinical testing. Allele origin: germline. Affected: yes. Not counted in ClinVar's aggregate classification.
Comment: Classified according to the IMAGENE.ME variant classification SOP based on the ACMG guidelines as Pathogenic (P).

Imagene.me medical diagnostic laboratory, IMAGENE.ME SA
Classification: Pathogenic for Thrombophilia due to activated protein C resistance. Review status: criteria provided, single submitter. Criteria: IMAGENE.ME Variant Classification SOP 2022. Collection method: clinical testing. Allele origin: germline. Not counted in ClinVar's aggregate classification.
Comment: the same text as in the submission from Imagene.me medical diagnostic laboratory, IMAGENE.ME SA above.